The following is an entry in ClinVar:

ClinVar aggregate classification (germline): Uncertain significance (1 of 4 stars; one submission).

Conditions:
Hereditary cancer-predisposing syndrome. Also called: Tumor predisposition; Hereditary neoplastic syndrome; Neoplastic Syndromes, Hereditary; Hereditary Cancer Syndrome. Identifiers: Orphanet 140162, MedGen C0027672, MeSH D009386, MONDO:0015356.

Submission:

Ambry Genetics
Classification: Uncertain significance for Hereditary cancer-predisposing syndrome. Last evaluated: 2025-06-05. Review status: criteria provided, single submitter. Criteria: Ambry Variant Classification Scheme 2023. Collection method: clinical testing. Allele origin: germline.
Comment: The p.H835Y variant (also known as c.2503C>T), located in coding exon 21 of the EGFR gene, results from a C to T substitution at nucleotide position 2503. The histidine at codon 835 is replaced by tyrosine, an amino acid with similar properties. This amino acid position is highly conserved in available vertebrate species. In addition, this alteration is predicted to be deleterious by in silico analysis. Based on the available evidence, the clinical significance of this variant remains unclear.

NM_005228.5(EGFR):c.2503C>T (p.His835Tyr)

Gene: EGFR (epidermal growth factor receptor; plus strand). Cytogenetic location: 7p11.2.
Variant type: single nucleotide variant.
Coding change: c.2503C>T on transcript NM_005228.5 (MANE Select); coding-DNA position 2503, C replaced by T.
Protein change: p.His835Tyr; replaces histidine 835 with tyrosine.
Molecular consequence: missense variant.
Genome position (GRCh38, 1-based): chr7:55,191,752, C>T. VCF-style: chr7-55191752-C-T. GRCh37 (hg19) VCF-style: chr7-55259445-C-T.
Other names: c.2368C>T, p.His790Tyr (NM_001346897.2, NM_001346899.2); c.2503C>T, p.His835Tyr (NM_001346898.2); c.2344C>T, p.His782Tyr (NM_001346900.2); c.1702C>T, p.His568Tyr (NM_001346941.2); short protein forms H568Y, H782Y, H790Y, H835Y.
Identifiers: ClinVar variation 4016783 (VCV004016783.1).